The following is an entry in ClinVar:

ClinVar aggregate classification (germline): Conflicting classifications of pathogenicity. Review status: criteria provided, conflicting classifications (1 of 4 stars). 4 submissions from 4 submitters: Likely pathogenic (2); Uncertain significance (2). Last evaluated 2024-09-22.

Conditions:
Wilson disease (WND). Also called: Wilson's disease. Identifiers: Orphanet 905, MedGen C0019202, MONDO:0010200, OMIM 277900. Disease mechanism: loss of function.

Allele frequency attached by ClinVar (database versions not stated): gnomAD exomes below 0.00001; TOPMed below 0.00001; ESP Exome Variant Server 0.00008.
gnomAD v4.1: 7 of 1,614,206 alleles (0.00043%); highest among the groups gnomAD compares: Non-Finnish European, 0.00059%; no homozygotes.

Submissions (4):

Natera, Inc.
Classification: Likely pathogenic for Wilson disease. Last evaluated: 2024-09-22. Review status: criteria provided, single submitter. Criteria: Natera Variant Classification Schema (03/2026). Collection method: clinical testing. Allele origin: germline.
Comment: The c.1595A>G variant in ATP7B is a missense variant predicted to cause substitution of tyrosine to cysteine at amino acid 532. This variant is rare in the general population with a frequency below the threshold expected for the associated phenotype(s). This variant has been observed in one or more individuals affected with the associated recessive disease, as either homozygous or compound heterozygous with a second variant (PMID: 35220961, 23518715). This variant has been identified in one or more affected individuals with a phenotype highly consistent with the associated gene (PMID: 35220961). Computational prediction algorithms indicate this variant is likely to affect gene or protein function. Given the available evidence, this variant is classified as Likely Pathogenic.

Labcorp Genetics (formerly Invitae), Labcorp
Classification: Likely pathogenic for Wilson disease. Last evaluated: 2023-12-13. Review status: criteria provided, single submitter. Criteria: Invitae Variant Classification Sherloc (09022015). Collection method: clinical testing. Allele origin: germline.
Comment: This sequence change replaces tyrosine, which is neutral and polar, with cysteine, which is neutral and slightly polar, at codon 532 of the ATP7B protein (p.Tyr532Cys). This variant is not present in population databases (gnomAD no frequency). This missense change has been observed in individual(s) with Wilson disease (PMID: 23518715, 35220961; Invitae). In at least one individual the data is consistent with being in trans (on the opposite chromosome) from a pathogenic variant. ClinVar contains an entry for this variant (Variation ID: 617984). Advanced modeling of protein sequence and biophysical properties (such as structural, functional, and spatial information, amino acid conservation, physicochemical variation, residue mobility, and thermodynamic stability) has been performed at Invitae for this missense variant, however the output from this modeling did not meet the statistical confidence thresholds required to predict the impact of this variant on ATP7B protein function. In summary, the currently available evidence indicates that the variant is pathogenic, but additional data are needed to prove that conclusively. Therefore, this variant has been classified as Likely Pathogenic.

Color Diagnostics, LLC DBA Color Health
Classification: Uncertain significance for Wilson disease. Last evaluated: 2023-11-20. Review status: criteria provided, single submitter. Criteria: ACMG Guidelines, 2015. Collection method: clinical testing. Allele origin: germline.
Comment: This missense variant replaces tyrosine with cysteine at codon 532 of the ATP7B protein. Computational prediction suggests that this variant may have deleterious impact on protein structure and function. To our knowledge, functional studies have not been reported for this variant. This variant has been observed in two individuals affected with autosomal recessive Wilson disease in unknown phase with a second pathogenic variant (PMID: 23518715ClinVar: SCV003442240.1). This variant has not been identified in the general population by the Genome Aggregation Database (gnomAD). The available evidence is insufficient to determine the role of this variant in disease conclusively. Therefore, this variant is classified as a Variant of Uncertain Significance.

ARUP Laboratories, Molecular Genetics and Genomics, ARUP Laboratories
Classification: Uncertain significance. Last evaluated: 2017-05-10. Review status: criteria provided, single submitter. Criteria: ARUP Molecular Germline Variant Investigation Process. Collection method: clinical testing. Allele origin: germline.
Comment: The ATP7B c.1595A>G; p.Tyr532Cys variant (rs375071383) has been reported once in the literature in an individual with Wilson disease who also carried a pathogenic p.Met769Val variant (Coffey 2013). Additionally, a different change at this codon, p.Tyr532His, has also been reported in a Wilson disease patient (Cox 2005). The p.Tyr532Cys variant is observed in the general population databases at a very low frequency of 0.008 percent (1/12560 alleles; Exome Variant Server). The tyrosine at codon 532 is well conserved across species, and computational algorithms (SIFT, PolyPhen2, MutationTaster) predict this variant to be damaging to the protein. However, due to the limited clinical and functional data regarding p.Tyr532Cys, its clinical significance is uncertain at this time. REFERENCES Coffey AJ et al. A genetic study of Wilson's disease in the United Kingdom. Brain. 2013 May;136(Pt 5):1476-87. Cox DW et al. Twenty-four novel mutations in Wilson disease patients of predominantly European ancestry. Hum Mutat. 2005 Sep;26(3):280.

Literature cited by the submitters: PubMed 35220961 (cited by Natera, Inc. and Labcorp Genetics (formerly Invitae), Labcorp); PubMed 23518715 (cited by 3 submitters).

NM_000053.4(ATP7B):c.1595A>G (p.Tyr532Cys)

Gene: ATP7B (ATPase copper transporting beta; minus strand). Cytogenetic location: 13q14.3.
Variant type: single nucleotide variant.
Coding change: c.1595A>G on transcript NM_000053.4 (MANE Select); coding-DNA position 1595, A replaced by G.
Protein change: p.Tyr532Cys; replaces tyrosine 532 with cysteine.
Molecular consequence: missense variant.
Genome position (GRCh38, 1-based): chr13:51,968,556, T>C on the plus strand (A>G on the coding strand, the complement: ATP7B is on the minus strand). VCF-style: chr13-51968556-T-C. GRCh37 (hg19) VCF-style: chr13-52542692-T-C.
Other names: c.1595A>G (NM_000053.3); c.1595A>G, p.Tyr532Cys (NM_001005918.3, NM_001330578.2, NM_001330579.2); c.1262A>G, p.Tyr421Cys (NM_001243182.2); short protein forms Y532C, Y421C.
Identifiers: ClinVar variation 617984 (VCV000617984.13), dbSNP rs375071383, ClinGen allele CA250064899.